The following is an entry in ClinVar:

NM_005120.3(MED12):c.6268-5_6268-3dup

Gene: MED12 (mediator complex subunit 12; plus strand). Cytogenetic location: Xq13.1.
Variant type: Duplication.
Coding change: c.6268-5_6268-3dup on transcript NM_005120.3 (MANE Select); 5 bases into the intron before coding-DNA position 6268 through 3 bases into the intron before coding-DNA position 6268, 3 bases duplicated (TAT; older notation c.6268-5_6268-3dupTAT).
Molecular consequence: intron variant.
Genome position (GRCh38, 1-based): chrX:71,141,225-71,141,227, TAT duplicated; duplicating any 3 consecutive bases within chrX:71,141,224-71,141,227 gives the same sequence; the c. name uses the placement nearest the transcript's 3' end. VCF-style (leftmost placement, unchanged base first): chrX-71141223-C-CTTA. GRCh37 (hg19) VCF-style: chrX-70361073-C-CTTA.
Identifiers: ClinVar variation 4886327 (VCV004886327.2).

ClinVar aggregate classification (germline): Uncertain significance (1 of 4 stars; one submission).

Submission:

Dasa
Classification: Uncertain significance. Last evaluated: 2025-01-15. Review status: criteria provided, single submitter. Criteria: DASA Assertion Criteria. Collection method: clinical testing. Allele origin: germline.
Comment: NM_005120.3(MED12):c.6268-5_6268-3dup is a splice-region variant. This variant is absent from population databases. Computational prediction algorithms are consistent with a benign effect. The currently available literature and clinical evidence are not sufficient to establish a definitive association between this variant and the reported condition. Therefore, this variant is classified as a variant of uncertain significance.